The following is an entry in ClinVar:

ClinVar aggregate classification (germline): Pathogenic (1 of 4 stars; one submission).

Conditions:
Mucopolysaccharidosis type 6 (MPS6). Also called: MPS 6; Maroteaux Lamy syndrome; MPS VI; N-ACETYLGALACTOSAMINE-4-SULFATASE DEFICIENCY; ARSB DEFICIENCY; ARYLSULFATASE B DEFICIENCY. Identifiers: Orphanet 583, MedGen C0026709, MONDO:0009661, OMIM 253200.

Submission:

Labcorp Genetics (formerly Invitae), Labcorp
Classification: Pathogenic for Mucopolysaccharidosis type 6. Last evaluated: 2020-09-24. Review status: criteria provided, single submitter. Criteria: Invitae Variant Classification Sherloc (09022015). Collection method: clinical testing. Allele origin: germline.
Comment: This variant is an in-frame deletion of the genomic region encompassing exons 2-3 of the ARSB gene. It preserves the integrity of the reading frame. This variant has been observed in individuals, a family, several families affected with mucopolysaccharidosis type VI (PMID: 25190157, 27797586). This variant disrupts the p.Tyr210 amino acid residue in ARSB. Other variant(s) that disrupt this residue have been determined to be pathogenic (PMID: 8651289, 21514195, 24221504, 23557332, 17458871, 11939792). This suggests that this residue is clinically significant, and that variants that disrupt this residue are likely to be disease-causing. For these reasons, this variant has been classified as Pathogenic.

Literature cited by the submitters: PubMed 25190157; PubMed 27797586; PubMed 8651289; PubMed 21514195; PubMed 24221504; PubMed 23557332; PubMed 17458871; PubMed 11939792.

NC_000005.9:g.(?_78260219)_(78265035_?)del

Gene: ARSB (arylsulfatase B; minus strand). Cytogenetic location: 5q14.1.
Variant type: Deletion.
Identifiers: ClinVar variation 1073285 (VCV001073285.1).